The following is an entry in ClinVar:

ClinVar aggregate classification (germline): Uncertain significance. Review status: criteria provided, multiple submitters, no conflicts (2 of 4 stars). 2 submissions from 2 submitters: Uncertain significance (2). Last evaluated 2024-04-04.

Conditions:
Intellectual disability, autosomal recessive 42 (NEDDSBA). Also called: Neurodevelopmental disorder with dysmorphic features, spasticity, and brain abnormalities; GLYCOSYLPHOSPHATIDYLINOSITOL BIOSYNTHESIS DEFECT 9. Identifiers: Orphanet 88616, MedGen C4014343, MONDO:0014348, OMIM 615802.
Inborn genetic diseases. Identifiers: MedGen C0950123, MeSH D030342.

Allele frequency attached by ClinVar (database versions not stated): gnomAD 0.00001; gnomAD exomes 0.00001 and 0.00002; ExAC 0.00002; TOPMed 0.00003.
gnomAD v4.1: 20 of 1,614,050 alleles (0.0012%); highest among the groups gnomAD compares: South Asian, 0.0022%; no homozygotes.

Submissions (2):

Ambry Genetics
Classification: Uncertain significance for Inborn genetic diseases. Last evaluated: 2024-04-04. Review status: criteria provided, single submitter. Criteria: Ambry Variant Classification Scheme 2023. Collection method: clinical testing. Allele origin: germline.

Labcorp Genetics (formerly Invitae), Labcorp
Classification: Uncertain significance for Intellectual disability, autosomal recessive 42. Last evaluated: 2022-06-11. Review status: criteria provided, single submitter. Criteria: Invitae Variant Classification Sherloc (09022015). Collection method: clinical testing. Allele origin: germline.
Comment: This sequence change replaces glutamic acid, which is acidic and polar, with lysine, which is basic and polar, at codon 34 of the PGAP1 protein (p.Glu34Lys). This variant is present in population databases (rs752507663, gnomAD 0.003%). This variant has not been reported in the literature in individuals affected with PGAP1-related conditions. Algorithms developed to predict the effect of missense changes on protein structure and function (SIFT, PolyPhen-2, Align-GVGD) all suggest that this variant is likely to be tolerated. In summary, the available evidence is currently insufficient to determine the role of this variant in disease. Therefore, it has been classified as a Variant of Uncertain Significance.

NM_024989.4(PGAP1):c.100G>A (p.Glu34Lys)

Gene: PGAP1 (post-GPI attachment to proteins inositol deacylase 1; minus strand). Cytogenetic location: 2q33.1.
Variant type: single nucleotide variant.
Coding change: c.100G>A on transcript NM_024989.4 (MANE Select); coding-DNA position 100, G replaced by A.
Protein change: p.Glu34Lys; replaces glutamic acid 34 with lysine.
Molecular consequence: missense variant. On other transcripts: 5 prime UTR variant (2).
Genome position (GRCh38, 1-based): chr2:196,926,517, C>T on the plus strand (G>A on the coding strand, the complement: PGAP1 is on the minus strand). VCF-style: chr2-196926517-C-T. GRCh37 (hg19) VCF-style: chr2-197791241-C-T.
Other names: c.-507G>A (NM_001321099.2); c.-1012G>A (NM_001321100.2); c.100G>A (NM_024989.3); short protein forms E34K.
Identifiers: ClinVar variation 1365910 (VCV001365910.4), dbSNP rs752507663, ClinGen allele CA2041300.
Genomic context (GRCh38, chr2:196,926,517, plus strand): 5'-GGCAGAACCTTACCTGATACTCCGGGTACTCAAACATGTAGCTCATACTGCACTTATTCT[C>T]CTCGAAGCCGAAGAAGACATCCCACAGCCCCAGGGTTGCCAGAAAGACCATGAAGACATA-3'
Protein context (NP_079265.2, residues 24-44): GLWDVFFGFE[Glu34Lys]NKCSMSYMFE